The following is an entry in ClinVar:

ClinVar aggregate classification (germline): Uncertain significance (1 of 4 stars; one submission).

Conditions:
X-linked lymphoproliferative disease due to XIAP deficiency. Also called: XIAP DEFICIENCY; XIAP-Related Lymphoproliferative Disease, X-Linked. Identifiers: Orphanet 2442, Orphanet 538934, MedGen C1845076, MONDO:0010385, OMIM 300635.

gnomAD v4.1: 2 of 1,211,796 alleles (0.00017%); highest among the groups gnomAD compares: Admixed American, 0.0044%; no homozygotes.

Submission:

Labcorp Genetics (formerly Invitae), Labcorp
Classification: Uncertain significance for X-linked lymphoproliferative disease due to XIAP deficiency. Last evaluated: 2023-08-30. Review status: criteria provided, single submitter. Criteria: Invitae Variant Classification Sherloc (09022015). Collection method: clinical testing. Allele origin: germline.
Comment: This variant has not been reported in the literature in individuals affected with XIAP-related conditions. In summary, the available evidence is currently insufficient to determine the role of this variant in disease. Therefore, it has been classified as a Variant of Uncertain Significance. Advanced modeling of protein sequence and biophysical properties (such as structural, functional, and spatial information, amino acid conservation, physicochemical variation, residue mobility, and thermodynamic stability) performed at Invitae indicates that this missense variant is not expected to disrupt XIAP protein function. ClinVar contains an entry for this variant (Variation ID: 1368480). This variant is not present in population databases (gnomAD no frequency). This sequence change replaces phenylalanine with tyrosine at codon 170 of the XIAP protein (p.Phe170Tyr). The phenylalanine residue is highly conserved and there is a small physicochemical difference between phenylalanine and tyrosine.

NM_001167.4(XIAP):c.509T>A (p.Phe170Tyr)

Gene: XIAP (X-linked inhibitor of apoptosis; plus strand). Cytogenetic location: Xq25.
Variant type: single nucleotide variant.
Coding change: c.509T>A on transcript NM_001167.4 (MANE Select); coding-DNA position 509, T replaced by A.
Protein change: p.Phe170Tyr; replaces phenylalanine 170 with tyrosine.
Molecular consequence: missense variant.
Genome position (GRCh38, 1-based): chrX:123,886,171, T>A. VCF-style: chrX-123886171-T-A. GRCh37 (hg19) VCF-style: chrX-123020021-T-A.
Other names: c.509T>A, p.Phe170Tyr (NM_001204401.2, NM_001378590.1, NM_001378591.1 and 1 more transcripts); short protein forms F170Y.
Identifiers: ClinVar variation 1368480 (VCV001368480.8), dbSNP rs2148089869, ClinGen allele CA414123827.
Genomic context (GRCh38, chrX:123,886,171, plus strand): 5'-CAGACACCATATACCCGAGGAACCCTGCCATGTATAGTGAAGAAGCTAGATTAAAGTCCT[T>A]TCAGAACTGGCCAGACTATGCTCACCTAACCCCAAGAGAGTTAGCAAGTGCTGGACTCTA-3'
Protein context (NP_001158.2, residues 160-180): MYSEEARLKS[Phe170Tyr]QNWPDYAHLT